The following is an entry in ClinVar:

NM_001065.4(TNFRSF1A):c.323-3C>G

Gene: TNFRSF1A (TNF receptor superfamily member 1A; minus strand). Cytogenetic location: 12p13.31.
Variant type: single nucleotide variant.
Coding change: c.323-3C>G on transcript NM_001065.4 (MANE Select); 3 bases into the intron before coding-DNA position 323, C replaced by G.
Molecular consequence: intron variant.
Genome position (GRCh38, 1-based): chr12:6,333,519, G>C on the plus strand (C>G on the coding strand, the complement: TNFRSF1A is on the minus strand). VCF-style: chr12-6333519-G-C. GRCh37 (hg19) VCF-style: chr12-6442685-G-C.
Other names: c.-2-3C>G (NM_001346091.2); c.-255-3C>G (NM_001346092.2).
Identifiers: ClinVar variation 463376 (VCV000463376.55), dbSNP rs1328399119, ClinGen allele CA603483448.
Genomic context (GRCh38, chr12:6,333,519, plus strand): 5'-CAGCCACACACGGTGTCCCGGTCCACTGTGCAAGAAGAGATCTCCACCTGACCCATTTCT[G>C]GTGAGGGGAGAAGATGGGGTATGAGTCCTGCATCCTCCTGTCCCTGCATCCCCTTCCTGA-3'

ClinVar aggregate classification (germline): Uncertain significance. Review status: criteria provided, multiple submitters, no conflicts (2 of 4 stars). 3 submissions from 3 submitters: Uncertain significance (3). Last evaluated 2025-07-30.

Conditions:
TNF receptor-associated periodic fever syndrome (TRAPS) (FPF). Also called: TNF Receptor-Associated Periodic Fever Syndrome; TNF receptor 1-associated periodic fever syndrome; FAMILIAL HIBERNIAN FEVER; TNF RECEPTOR-ASSOCIATED PERIODIC SYNDROME; TUMOR NECROSIS FACTOR RECEPTOR-ASSOCIATED PERIODIC SYNDROME; Autosomal Dominant Familial Periodic Fever. Identifiers: Orphanet 32960, MedGen C1275126, MONDO:0007727, OMIM 142680.

Allele frequency attached by ClinVar (database versions not stated): gnomAD exomes below 0.00001 and 0.00001; gnomAD 0.00001; TOPMed 0.00001.

Submissions (3):

Labcorp Genetics (formerly Invitae), Labcorp
Classification: Uncertain significance for TNF receptor-associated periodic fever syndrome (TRAPS). Last evaluated: 2025-07-30. Review status: criteria provided, single submitter. Criteria: Invitae Variant Classification Sherloc (09022015). Collection method: clinical testing. Allele origin: germline.
Comment: This sequence change falls in intron 3 of the TNFRSF1A gene. It does not directly change the encoded amino acid sequence of the TNFRSF1A protein. It affects a nucleotide within the consensus splice site. This variant is present in population databases (no rsID available, gnomAD 0.003%). This variant has not been reported in the literature in individuals affected with TNFRSF1A-related conditions. ClinVar contains an entry for this variant (Variation ID: 463376). Variants that disrupt the consensus splice site are a relatively common cause of aberrant splicing (PMID: 17576681, 9536098). Algorithms developed to predict the effect of sequence changes on RNA splicing suggest that this variant may disrupt the consensus splice site. In summary, the available evidence is currently insufficient to determine the role of this variant in disease. Therefore, it has been classified as a Variant of Uncertain Significance.

ARUP Laboratories, Molecular Genetics and Genomics, ARUP Laboratories
Classification: Uncertain significance. Last evaluated: 2020-02-23. Review status: criteria provided, single submitter. Criteria: ARUP Molecular Germline Variant Investigation Process. Collection method: clinical testing. Allele origin: germline.
Comment: The TNFRSF1A c.323-3C>G variant (rs1328399119), to our knowledge, is not reported in the medical literature but is reported in ClinVar (Variation ID: 463376). This variant is found on only four chromosomes in the Genome Aggregation Database (4/282678 alleles), indicating it is not a common polymorphism. This is an intronic variant in a moderately conserved nucleotide, and computational analyses (Alamut v.2.11) predict that this variant may impact splicing by weakening the nearby canonical acceptor splice site. However, RNA studies would be required to confirm these predictions. Given the lack of clinical and functional data, the significance of the c.323-3C>G variant is uncertain at this time.

CeGaT Center for Human Genetics Tuebingen
Classification: Uncertain significance. Last evaluated: 2019-07-01. Review status: criteria provided, single submitter. Criteria: CeGaT Center For Human Genetics Tuebingen Variant Classification Criteria Version 2. Collection method: clinical testing. Allele origin: germline. Affected: yes. Observed: 1 variant allele.

Literature cited by the submitters: PubMed 17576681 (cited by Labcorp Genetics (formerly Invitae), Labcorp); PubMed 9536098 (cited by Labcorp Genetics (formerly Invitae), Labcorp).